The following is an entry in ClinVar:

ClinVar aggregate classification (germline): Conflicting classifications of pathogenicity. Review status: criteria provided, conflicting classifications (1 of 4 stars). 11 submissions from 11 submitters: Uncertain significance (6); Benign (1); Likely benign (4). Last evaluated 2026-08-27.

Conditions:
TTN-related disorder. Also called: TTN-related disorders; TTN-related condition; TTN-related disease.
Dilated cardiomyopathy 1G (CMD1G). Identifiers: Orphanet 154, MedGen C1858763, MONDO:0011400, OMIM 604145.
Autosomal recessive limb-girdle muscular dystrophy type 2J (LGMDR10). Also called: Limb-girdle muscular dystrophy, type 2J; MUSCULAR DYSTROPHY, LIMB-GIRDLE, AUTOSOMAL RECESSIVE 10. Identifiers: Orphanet 140922, MedGen C1837342, MONDO:0012127, OMIM 608807.
Cardiomyopathy (CMYO). Also called: Cardiomyopathies. Identifiers: Orphanet 167848, MedGen C0878544, MONDO:0004994, HP:0001638. Inheritance: Various modes of inheritance.

Allele frequency attached by ClinVar (database versions not stated): gnomAD exomes 0.00010 and 0.00022; gnomAD 0.00013 and 0.00014; 1000 Genomes Project 30x 0.00016; ExAC 0.00017; ESP Exome Variant Server 0.00017; 1000 Genomes Project 0.00020; TOPMed 0.00025.
gnomAD v4.1: 191 of 1,586,718 alleles (0.012%); highest among the groups gnomAD compares: Middle Eastern, 0.2%; no homozygotes.

Submissions (11):

PreventionGenetics, part of Exact Sciences
Classification: Uncertain significance for TTN-related condition. Last evaluated: 2026-08-27. Review status: criteria provided, single submitter. Criteria: ACMG Guidelines, 2015. Collection method: clinical testing. Allele origin: germline.
Comment: The TTN c.33838C>T variant is predicted to result in the amino acid substitution p.Pro11280Ser. This variant was reported with a second TTN missense variant in a patient with pelvic and scapular muscle weakness (Supp. Data, P131 in Gonzalez-Quereda et al. 2020. PubMed ID: 32403337). This variant is reported in 0.11% of alleles in individuals of Latino descent in gnomAD which is likely to common for autosomal dominant disorders. Although we suspect that this variant may be benign, at this time, the clinical significance of this variant is uncertain due to the absence of conclusive functional and genetic evidence.

CeGaT Center for Human Genetics Tuebingen
Classification: Uncertain significance. Last evaluated: 2026-02-01. Review status: criteria provided, single submitter. Criteria: CeGaT Center For Human Genetics Tuebingen Variant Classification Criteria Version 2. Collection method: clinical testing. Allele origin: germline. Affected: yes. Observed: 1 variant allele.

Labcorp Genetics (formerly Invitae), Labcorp
Classification: Likely benign for Dilated cardiomyopathy 1G; Autosomal recessive limb-girdle muscular dystrophy type 2J. Last evaluated: 2026-01-08. Review status: criteria provided, single submitter. Criteria: Invitae Variant Classification Sherloc (09022015). Collection method: clinical testing. Allele origin: germline.

Revvity Omics, Revvity
Classification: Uncertain significance. Last evaluated: 2025-06-25. Review status: criteria provided, single submitter. Criteria: ACMG Guidelines, 2015. Collection method: clinical testing. Allele origin: germline.

Molecular Diagnostic Laboratory for Inherited Cardiovascular Disease, Montreal Heart Institute
Classification: Likely benign. Last evaluated: 2025-04-09. Review status: criteria provided, single submitter. Criteria: ACMG Guidelines, 2015. Collection method: clinical testing. Allele origin: germline. Affected: no.

ARUP Laboratories, Molecular Genetics and Genomics, ARUP Laboratories
Classification: Uncertain significance. Last evaluated: 2025-02-28. Review status: criteria provided, single submitter. Criteria: ARUP Molecular Germline Variant Investigation Process 2024. Collection method: clinical testing. Allele origin: germline.
Comment: The TTN c.33838C>T; p.Pro11280Ser variant (rs374449452; ClinVar Variation ID: 179052) is reported in the literature in one individual suspected of pelvic and scapular weakness due to limb girdle muscular dystrophy, who carried a second TTN variant (Gonzalez-Quereda 2020). This variant is rare in the general population (<0.2% allele frequency in the Genome Aggregation Database v2.1.1). Computational analyses are uncertain whether this variant is neutral or deleterious (REVEL: 0.475). The clinical relevance of rare missense variants in this gene, which are identified on average once per individual sequenced in affected populations (Herman 2012), is not well understood. Yet, evidence suggests that the vast majority of such missense variants do not contribute to the clinical outcome of DCM (Begay 2015). Thus, the clinical significance of the p.Pro11280Ser variant cannot be determined with certainty. References: Begay RL et al. Role of Titin Missense Variants in Dilated Cardiomyopathy. J Am Heart Assoc. 2015 Nov 13;4(11). PMID: 26567375. Gonzalez-Quereda et al. Targeted Next-Generation Sequencing in a Large Cohort of Genetically Undiagnosed Patients with Neuromuscular Disorders in Spain. Genes (Basel). 2020 May 11;11(5):539. PMID: 32403337. Herman DS et al. Truncations of titin causing dilated cardiomyopathy. N Engl J Med. 2012 Feb 16;366(7):619-28. PMID: 22335739.

Blueprint Genetics
Classification: Likely benign. Last evaluated: 2024-11-25. Review status: criteria provided, single submitter. Criteria: ACMG Guidelines, 2015. Collection method: clinical testing. Allele origin: germline.

CHEO Genetics Diagnostic Laboratory, Children's Hospital of Eastern Ontario
Classification: Benign for Cardiomyopathy. Last evaluated: 2022-07-08. Review status: criteria provided, single submitter. Criteria: ACMG Guidelines, 2015. Collection method: clinical testing. Allele origin: germline.

GeneDx
Classification: Likely benign. Last evaluated: 2018-01-18. Review status: criteria provided, single submitter. Criteria: GeneDx Variant Classification (06012015). Collection method: clinical testing. Allele origin: germline. Affected: yes.
Comment: This variant is considered likely benign or benign based on one or more of the following criteria: it is a conservative change, it occurs at a poorly conserved position in the protein, it is predicted to be benign by multiple in silico algorithms, and/or has population frequency not consistent with disease.

Eurofins Ntd Llc (ga)
Classification: Uncertain significance. Last evaluated: 2015-09-03. Review status: criteria provided, single submitter. Criteria: EGL Classification Definitions 2015. Collection method: clinical testing. Allele origin: germline. Observed: 3 variant alleles, 3 heterozygotes.

Laboratory for Molecular Medicine, Mass General Brigham Personalized Medicine
Classification: Uncertain significance. Last evaluated: 2014-04-04. Review status: criteria provided, single submitter. Criteria: LMM Criteria. Collection method: clinical testing. Allele origin: germline. Observed: 1 variant allele.
Comment: The Pro10036Ser variant in TTN has not been previously reported in individuals w ith cardiomyopathy, but has been identified in 1/8188 European American chromoso mes by the NHLBI Exome Sequencing Project (db SNP rsrs374449452). Computational prediction tools and conservation analyses do not provide strong support for or against an impact to the protein. Additional information is needed to fully assess the clinical significance of the Pro10036S er variant.

NM_001267550.2(TTN):c.33838C>T (p.Pro11280Ser)

Gene: TTN (titin; minus strand). Cytogenetic location: 2q31.2.
Variant type: single nucleotide variant.
Coding change: c.33838C>T on transcript NM_001267550.2 (MANE Select); coding-DNA position 33838, C replaced by T.
Protein change: p.Pro11280Ser; replaces proline 11280 with serine.
Molecular consequence: missense variant. On other transcripts: intron variant (3).
Genome position (GRCh38, 1-based): chr2:178,678,486, G>A on the plus strand (C>T on the coding strand, the complement: TTN is on the minus strand). VCF-style: chr2-178678486-G-A. GRCh37 (hg19) VCF-style: chr2-179543213-G-A.
Other names: c.32887C>T, p.Pro10963Ser (NM_001256850.1); c.30106C>T, p.Pro10036Ser (NM_133378.4); c.13283-36169C>T (NM_003319.4); c.13859-36169C>T (NM_133437.4); c.13658-36169C>T (NM_133432.3); short protein forms P10036S, P11280S, P10963S.
Identifiers: ClinVar variation 179052 (VCV000179052.32), dbSNP rs374449452, ClinGen allele CA183625.